The following is an entry in ClinVar:

NM_001160372.4(TRAPPC9):c.1738A>C (p.Asn580His)

Gene: TRAPPC9 (trafficking protein particle complex subunit 9; minus strand). Cytogenetic location: 8q24.3.
Variant type: single nucleotide variant.
Coding change: c.1738A>C on transcript NM_001160372.4 (MANE Select); coding-DNA position 1738, A replaced by C.
Protein change: p.Asn580His; replaces asparagine 580 with histidine.
Molecular consequence: missense variant. On other transcripts: non-coding transcript variant (1).
Genome position (GRCh38, 1-based): chr8:140,300,499, T>G on the plus strand (A>C on the coding strand, the complement: TRAPPC9 is on the minus strand). VCF-style: chr8-140300499-T-G. GRCh37 (hg19) VCF-style: chr8-141310598-T-G.
Other names: c.1711A>C, p.Asn571His (NM_001321646.2); c.1759A>C, p.Asn587His (NM_001374682.1); c.1738A>C, p.Asn580His (NM_001374683.1, NM_031466.8); c.1594A>C, p.Asn532His (NM_001374684.1); short protein forms N571H, N587H, N532H, N580H.
Identifiers: ClinVar variation 1503960 (VCV001503960.8), dbSNP rs1284402589, ClinGen allele CA372315821.

ClinVar aggregate classification (germline): Uncertain significance (1 of 4 stars; one submission).

Allele frequency attached by ClinVar (database versions not stated): gnomAD exomes below 0.00001.
gnomAD v4.1: 1 of 1,614,176 alleles (0.000062%); highest among the groups gnomAD compares: South Asian, 0.0011%; no homozygotes.

Submission:

Labcorp Genetics (formerly Invitae), Labcorp
Classification: Uncertain significance. Last evaluated: 2021-07-06. Review status: criteria provided, single submitter. Criteria: Invitae Variant Classification Sherloc (09022015). Collection method: clinical testing. Allele origin: germline.
Comment: In summary, the available evidence is currently insufficient to determine the role of this variant in disease. Therefore, it has been classified as a Variant of Uncertain Significance. Algorithms developed to predict the effect of missense changes on protein structure and function are either unavailable or do not agree on the potential impact of this missense change (SIFT: "Not Available"; PolyPhen-2: "Benign"; Align-GVGD: "Not Available"). This sequence change replaces asparagine with histidine at codon 678 of the TRAPPC9 protein (p.Asn678His). The asparagine residue is moderately conserved and there is a small physicochemical difference between asparagine and histidine. This variant is not present in population databases (ExAC no frequency). This variant has not been reported in the literature in individuals affected with TRAPPC9-related conditions.